The following is an entry in ClinVar:

NM_207346.3(TSEN54):c.1187G>A (p.Arg396Gln)

Gene: TSEN54 (tRNA splicing endonuclease subunit 54; plus strand). Cytogenetic location: 17q25.1.
Variant type: single nucleotide variant.
Coding change: c.1187G>A on transcript NM_207346.3 (MANE Select); coding-DNA position 1187, G replaced by A.
Protein change: p.Arg396Gln; replaces arginine 396 with glutamine.
Molecular consequence: missense variant.
Genome position (GRCh38, 1-based): chr17:75,522,268, G>A. VCF-style: chr17-75522268-G-A. GRCh37 (hg19) VCF-style: chr17-73518349-G-A.
Other names: c.1187G>A (NM_207346.2); short protein forms R396Q.
Identifiers: ClinVar variation 2414610 (VCV002414610.4), dbSNP rs754047235, ClinGen allele CA294079726.

ClinVar aggregate classification (germline): Uncertain significance. Review status: criteria provided, multiple submitters, no conflicts (2 of 4 stars). 2 submissions from 2 submitters: Uncertain significance (2). Last evaluated 2025-07-01.

Conditions:
Inborn genetic diseases. Identifiers: MedGen C0950123, MeSH D030342.

gnomAD v4.1: 26 of 1,546,614 alleles (0.0017%); highest among the groups gnomAD compares: Admixed American, 0.0098%; no homozygotes.

Submissions (2):

Ambry Genetics
Classification: Uncertain significance for Inborn genetic diseases. Last evaluated: 2025-07-01. Review status: criteria provided, single submitter. Criteria: Ambry Variant Classification Scheme 2023. Collection method: clinical testing. Allele origin: germline.

Labcorp Genetics (formerly Invitae), Labcorp
Classification: Uncertain significance. Last evaluated: 2022-06-19. Review status: criteria provided, single submitter. Criteria: Invitae Variant Classification Sherloc (09022015). Collection method: clinical testing. Allele origin: germline.
Comment: This sequence change replaces arginine, which is basic and polar, with glutamine, which is neutral and polar, at codon 396 of the TSEN54 protein (p.Arg396Gln). This variant is present in population databases (no rsID available, gnomAD 0.02%). This variant has not been reported in the literature in individuals affected with TSEN54-related conditions. Algorithms developed to predict the effect of missense changes on protein structure and function output the following: SIFT: "Tolerated"; PolyPhen-2: "Benign"; Align-GVGD: "Class C0". The glutamine amino acid residue is found in multiple mammalian species, which suggests that this missense change does not adversely affect protein function. In summary, the available evidence is currently insufficient to determine the role of this variant in disease. Therefore, it has been classified as a Variant of Uncertain Significance.